The following is an entry in ClinVar:

ClinVar aggregate classification (germline): Uncertain significance. Review status: criteria provided, multiple submitters, no conflicts (2 of 4 stars). 7 submissions from 6 submitters: Uncertain significance (7). Last evaluated 2025-11-03.

Conditions:
Fibromatosis, gingival, 1 (GINGF1). Identifiers: Orphanet 2024, MedGen C4551558, MONDO:0007609, OMIM 135300.
Noonan syndrome 4 (NS4). Also called: NOONAN SYNDROME WITH PIGMENTED VILLONODULAR SYNOVITIS; SOS1-Related Noonan Syndrome. Identifiers: Orphanet 648, MedGen C1853120, MONDO:0012547, OMIM 610733.
RASopathy. Also called: Noonan spectrum disorder; rasopathies. Identifiers: Orphanet 536391, MedGen C5555857, MONDO:0021060.
Cardiovascular phenotype. Identifiers: MedGen CN230736.

Allele frequency attached by ClinVar (database versions not stated): gnomAD exomes below 0.00001; gnomAD 0.00001; TOPMed 0.00002.

Submissions (7):

Ambry Genetics
Classification: Uncertain significance for Cardiovascular phenotype. Last evaluated: 2025-11-03. Review status: criteria provided, single submitter. Criteria: Ambry Variant Classification Scheme 2023. Collection method: clinical testing. Allele origin: germline.

Labcorp Genetics (formerly Invitae), Labcorp
Classification: Uncertain significance for RASopathy. Last evaluated: 2025-09-16. Review status: criteria provided, single submitter. Criteria: Invitae Variant Classification Sherloc (09022015). Collection method: clinical testing. Allele origin: germline.
Comment: This sequence change replaces proline, which is neutral and non-polar, with threonine, which is neutral and polar, at codon 1255 of the SOS1 protein (p.Pro1255Thr). This variant is not present in population databases (gnomAD no frequency). This variant has not been reported in the literature in individuals affected with SOS1-related conditions. ClinVar contains an entry for this variant (Variation ID: 411867). Invitae Evidence Modeling of protein sequence and biophysical properties (such as structural, functional, and spatial information, amino acid conservation, physicochemical variation, residue mobility, and thermodynamic stability) indicates that this missense variant is not expected to disrupt SOS1 protein function with a negative predictive value of 95%. In summary, the available evidence is currently insufficient to determine the role of this variant in disease. Therefore, it has been classified as a Variant of Uncertain Significance.

GeneDx
Classification: Uncertain significance. Last evaluated: 2023-03-07. Review status: criteria provided, single submitter. Criteria: GeneDx Variant Classification Process June 2021. Collection method: clinical testing. Allele origin: germline. Affected: yes.
Comment: Has not been previously published as pathogenic or benign to our knowledge; Missense variants in this gene are often considered pathogenic (HGMD); In silico analysis supports that this missense variant does not alter protein structure/function; This variant is associated with the following publications: (PMID: 29493581)

Fulgent Genetics
Classification: Uncertain significance for Fibromatosis, gingival, 1; Noonan syndrome 4. Last evaluated: 2021-07-23. Review status: criteria provided, single submitter. Criteria: ACMG Guidelines, 2015. Collection method: clinical testing. Allele origin: unknown.

Laboratory for Molecular Medicine, Mass General Brigham Personalized Medicine
Classification: Uncertain significance. Last evaluated: 2018-03-01. Review status: criteria provided, single submitter. Criteria: LMM Criteria. Collection method: clinical testing. Allele origin: germline.
Comment: Disclaimer: This variant has not undergone full assessment. The following are preliminary notes: Not present in GnomAd-2:39213204 G / T- good coverage; Not in Google search or HGMD; VUS in ClinVar by Invitae

Genome-Nilou Lab
Classification: Uncertain significance for Noonan syndrome 4. Review status: criteria provided, single submitter. Criteria: ACMG Guidelines, 2015. Collection method: clinical testing. Allele origin: germline.

Genome-Nilou Lab
Classification: Uncertain significance for Fibromatosis, gingival, 1. Review status: criteria provided, single submitter. Criteria: ACMG Guidelines, 2015. Collection method: clinical testing. Allele origin: germline.

NM_005633.4(SOS1):c.3763C>A (p.Pro1255Thr)

Gene: SOS1 (SOS Ras/Rac guanine nucleotide exchange factor 1; minus strand). Cytogenetic location: 2p22.1.
Variant type: single nucleotide variant.
Coding change: c.3763C>A on transcript NM_005633.4 (MANE Select); coding-DNA position 3763, C replaced by A.
Protein change: p.Pro1255Thr; replaces proline 1255 with threonine.
Molecular consequence: missense variant.
Genome position (GRCh38, 1-based): chr2:38,986,063, G>T on the plus strand (C>A on the coding strand, the complement: SOS1 is on the minus strand). VCF-style: chr2-38986063-G-T. GRCh37 (hg19) VCF-style: chr2-39213204-G-T.
Other names: c.3742C>A, p.Pro1248Thr (NM_001382394.1); c.3718C>A, p.Pro1240Thr (NM_001382395.1); short protein forms P1255T, P1240T, P1248T.
Identifiers: ClinVar variation 411867 (VCV000411867.17), dbSNP rs972166211, ClinGen allele CA16610833.
Genomic context (GRCh38, chr2:38,986,063, plus strand): 5'-ATGGCAGATGCCTTCTTGTGCCGTGAGGAGAAGGTGTTTGAGGAGGAGGTGGTGTAAAGG[G>T]GGAAGGGCTGTTTGGGAAGAAGGCATTGCCATGGTCACTTTTTTTGCCCAAAGGGGGAGG-3'
Protein context (NP_005624.2, residues 1245-1265): GNAFFPNSPS[Pro1255Thr]FTPPPPQTPS